The following is an entry in ClinVar:

ClinVar aggregate classification (germline): Benign/Likely benign. Review status: criteria provided, multiple submitters, no conflicts (2 of 4 stars). 16 submissions from 10 submitters: Benign (1); Likely benign (12). 3 of the submissions do not count toward it. Last evaluated 2025-10-02.

Conditions:
Age related macular degeneration 4. Identifiers: MedGen C1853147, MONDO:0012540, OMIM 610698.
Factor H deficiency (CFHD). Also called: CFH DEFICIENCY; COMPLEMENT FACTOR H DEFICIENCY. Identifiers: Orphanet 200421, MedGen C0398777, MONDO:0012350, OMIM 609814.
Basal laminar drusen. Also called: DRUSEN OF BRUCH MEMBRANE; DRUSEN, CUTICULAR; DRUSEN, EARLY ADULT-ONSET, GROUPED. Identifiers: Orphanet 75376, MedGen C0730295, MONDO:0007472, OMIM 126700.
Atypical hemolytic-uremic syndrome. Identifiers: Orphanet 2134, MedGen C2931788, MONDO:0016244.
Hemolytic uremic syndrome, atypical, susceptibility to, 1. Also called: AHUS, SUSCEPTIBILITY TO, 1. Identifiers: Orphanet 2134, Orphanet 90038, MedGen C2749604, MONDO:0009335, OMIM 235400. Disease mechanism: Other.
Inborn genetic diseases. Identifiers: MedGen C0950123, MeSH D030342.
CFH-Related Dense Deposit Disease / Membranoproliferative Glomerulonephritis Type II. Identifiers: MedGen CN071292.

Allele frequency attached by ClinVar (database versions not stated): gnomAD 0.00029 and 0.00043; gnomAD exomes 0.00038 and 0.00066; TOPMed 0.00053; ExAC 0.00078; 1000 Genomes Project 30x 0.00109; 1000 Genomes Project 0.00140.
gnomAD v4.1: 613 of 1,613,990 alleles (0.038%); highest among the groups gnomAD compares: East Asian, 1.1%; 6 homozygotes.

Submissions (16):

Genomenon, Inc
Classification: Benign for Basal laminar drusen; Age related macular degeneration 4; Atypical hemolytic-uremic syndrome; Factor H deficiency. Last evaluated: 2025-10-02. Review status: criteria provided, single submitter. Criteria: Genomenon Sequence Variant Interpretation Standards - Updated. Collection method: curation. Allele origin: germline. Affected: no.
Comment: CFH p.Tyr1058His (c.3172T>C) is a missense variant that changes the amino acid at residue 1058 from Tyrosine to Histidine. This variant is present at high allele frequency in population databases. In conclusion, we classify CFH p.Tyr1058His (c.3172T>C) as a benign variant.

CeGaT Center for Human Genetics Tuebingen
Classification: Likely benign. Last evaluated: 2025-02-01. Review status: criteria provided, single submitter. Criteria: CeGaT Center For Human Genetics Tuebingen Variant Classification Criteria Version 2. Collection method: clinical testing. Allele origin: germline. Affected: yes. Observed: 1 variant allele.
Comment: CFH: BP4, BS1

Blueprint Genetics
Classification: Likely benign. Last evaluated: 2024-11-08. Review status: criteria provided, single submitter. Criteria: ACMG Guidelines, 2015. Collection method: clinical testing. Allele origin: germline.

Ambry Genetics
Classification: Likely benign for Inborn genetic diseases. Last evaluated: 2023-11-02. Review status: criteria provided, single submitter. Criteria: Ambry Variant Classification Scheme 2023. Collection method: clinical testing. Allele origin: germline.

Genome-Nilou Lab
Classification: Likely benign for Hemolytic uremic syndrome, atypical, susceptibility to, 1. Last evaluated: 2023-04-11. Review status: criteria provided, single submitter. Criteria: ACMG Guidelines, 2015. Collection method: clinical testing. Allele origin: germline. Affected: no.

Genome-Nilou Lab
Classification: Likely benign for Age related macular degeneration 4. Last evaluated: 2023-04-11. Review status: criteria provided, single submitter. Criteria: ACMG Guidelines, 2015. Collection method: clinical testing. Allele origin: germline. Affected: no.

Genome-Nilou Lab
Classification: Likely benign for Basal laminar drusen. Last evaluated: 2023-04-11. Review status: criteria provided, single submitter. Criteria: ACMG Guidelines, 2015. Collection method: clinical testing. Allele origin: germline. Affected: no.

Genome-Nilou Lab
Classification: Likely benign for Factor H deficiency. Last evaluated: 2023-04-11. Review status: criteria provided, single submitter. Criteria: ACMG Guidelines, 2015. Collection method: clinical testing. Allele origin: germline. Affected: no.

Fulgent Genetics
Classification: Likely benign for Basal laminar drusen; Hemolytic uremic syndrome, atypical, susceptibility to, 1; Factor H deficiency; Age related macular degeneration 4. Last evaluated: 2021-09-03. Review status: criteria provided, single submitter. Criteria: ACMG Guidelines, 2015. Collection method: clinical testing. Allele origin: unknown.

Illumina Laboratory Services, Illumina
Classification: Likely benign for Basal laminar drusen. Last evaluated: 2017-04-27. Review status: criteria provided, single submitter. Criteria: ICSL Variant Classification Criteria 13 December 2019. Collection method: clinical testing. Allele origin: germline.
Comment: This variant was observed as part of a predisposition screen in an ostensibly healthy population. A literature search was performed for the gene, cDNA change, and amino acid change (where applicable). No publications were found based on this search. Allele frequency data from public databases allowed determination this variant is unlikely to cause disease. Therefore, this variant is classified as likely benign.

Illumina Laboratory Services, Illumina
Classification: Likely benign for Age related macular degeneration 4. Last evaluated: 2017-04-27. Review status: criteria provided, single submitter. Criteria: ICSL Variant Classification Criteria 13 December 2019. Collection method: clinical testing. Allele origin: germline.
Comment: the same text as in the submission from Illumina Laboratory Services, Illumina above.

Illumina Laboratory Services, Illumina
Classification: Likely benign for Hemolytic uremic syndrome, atypical, susceptibility to, 1. Last evaluated: 2017-04-27. Review status: criteria provided, single submitter. Criteria: ICSL Variant Classification Criteria 13 December 2019. Collection method: clinical testing. Allele origin: germline.
Comment: the same text as in the submission from Illumina Laboratory Services, Illumina above.

Illumina Laboratory Services, Illumina
Classification: Likely benign for Membranoproliferative glomerulonephritis with complement factor h deficiency. Last evaluated: 2017-04-27. Review status: criteria provided, single submitter. Criteria: ICSL Variant Classification Criteria 13 December 2019. Collection method: clinical testing. Allele origin: germline.
Comment: the same text as in the submission from Illumina Laboratory Services, Illumina above.

Clinical Genetics DNA and cytogenetics Diagnostics Lab, Erasmus MC, Erasmus Medical Center
Classification: Likely benign. Review status: no assertion criteria provided. Collection method: clinical testing. Allele origin: germline. Affected: yes. Study: VKGL Data-share Consensus. Not counted in ClinVar's aggregate classification.

Clinical Genetics, Academic Medical Center
Classification: Likely benign. Review status: no assertion criteria provided. Collection method: clinical testing. Allele origin: germline. Affected: yes. Study: VKGL Data-share Consensus. Not counted in ClinVar's aggregate classification.

Genome Diagnostics Laboratory, University Medical Center Utrecht
Classification: Likely benign. Review status: no assertion criteria provided. Collection method: clinical testing. Allele origin: germline. Affected: yes. Study: VKGL Data-share Consensus. Not counted in ClinVar's aggregate classification.

NM_000186.4(CFH):c.3172T>C (p.Tyr1058His)

Gene: CFH (complement factor H; plus strand). Cytogenetic location: 1q31.3.
Variant type: single nucleotide variant.
Coding change: c.3172T>C on transcript NM_000186.4 (MANE Select); coding-DNA position 3172, T replaced by C.
Protein change: p.Tyr1058His; replaces tyrosine 1058 with histidine.
Molecular consequence: missense variant.
Genome position (GRCh38, 1-based): chr1:196,743,490, T>C. VCF-style: chr1-196743490-T-C. GRCh37 (hg19) VCF-style: chr1-196712620-T-C.
Other names: short protein forms Y1058H.
Identifiers: ClinVar variation 294521 (VCV000294521.26), dbSNP rs55679475, ClinGen allele CA1305867.